The following is an entry in ClinVar:

NM_152743.4(BRAT1):c.1229G>T (p.Ser410Ile)

Gene: BRAT1 (BRCA1 associated ATM activator 1; minus strand). Cytogenetic location: 7p22.3.
Variant type: single nucleotide variant.
Coding change: c.1229G>T on transcript NM_152743.4 (MANE Select); coding-DNA position 1229, G replaced by T.
Protein change: p.Ser410Ile; replaces serine 410 with isoleucine.
Molecular consequence: missense variant. On other transcripts: non-coding transcript variant (1).
Genome position (GRCh38, 1-based): chr7:2,541,390, C>A on the plus strand (G>T on the coding strand, the complement: BRAT1 is on the minus strand). VCF-style: chr7-2541390-C-A. GRCh37 (hg19) VCF-style: chr7-2581024-C-A.
Other names: c.1229G>T, p.Ser410Ile (NM_001350626.2); c.704G>T, p.Ser235Ile (NM_001350627.2); short protein forms S410I, S235I.
Identifiers: ClinVar variation 1949735 (VCV001949735.5), dbSNP rs915652207, ClinGen allele CA152667322.

ClinVar aggregate classification (germline): Uncertain significance (1 of 4 stars; one submission).

Conditions:
Neonatal-onset encephalopathy with rigidity and seizures. Also called: Lethal neonatal spasticity-epileptic encephalopathy syndrome. Identifiers: Orphanet 435845, MedGen C3281029, MONDO:0013784, OMIM 614498.

Allele frequency attached by ClinVar (database versions not stated): gnomAD 0.00001.

Submission:

Labcorp Genetics (formerly Invitae), Labcorp
Classification: Uncertain significance for Neonatal-onset encephalopathy with rigidity and seizures. Last evaluated: 2022-07-08. Review status: criteria provided, single submitter. Criteria: Invitae Variant Classification Sherloc (09022015). Collection method: clinical testing. Allele origin: germline.
Comment: This variant is not present in population databases (gnomAD no frequency). This sequence change replaces serine, which is neutral and polar, with isoleucine, which is neutral and non-polar, at codon 410 of the BRAT1 protein (p.Ser410Ile). This variant has not been reported in the literature in individuals affected with BRAT1-related conditions. Algorithms developed to predict the effect of missense changes on protein structure and function are either unavailable or do not agree on the potential impact of this missense change (SIFT: "Deleterious"; PolyPhen-2: "Possibly Damaging"; Align-GVGD: "Class C0"). In summary, the available evidence is currently insufficient to determine the role of this variant in disease. Therefore, it has been classified as a Variant of Uncertain Significance.